The following is an entry in ClinVar:

NM_001267550.2(TTN):c.14518A>C (p.Asn4840His)

Gene: TTN (titin; minus strand). Cytogenetic location: 2q31.2.
Variant type: single nucleotide variant.
Coding change: c.14518A>C on transcript NM_001267550.2 (MANE Select); coding-DNA position 14518, A replaced by C.
Protein change: p.Asn4840His; replaces asparagine 4840 with histidine.
Molecular consequence: missense variant. On other transcripts: intron variant (3).
Genome position (GRCh38, 1-based): chr2:178,735,928, T>G on the plus strand (A>C on the coding strand, the complement: TTN is on the minus strand). VCF-style: chr2-178735928-T-G. GRCh37 (hg19) VCF-style: chr2-179600655-T-G.
Other names: c.13567A>C, p.Asn4523His (NM_001256850.1); c.10786A>C, p.Asn3596His (NM_133378.4); c.13282+2154A>C (NM_003319.4); c.13858+2154A>C (NM_133437.4); c.13657+2154A>C (NM_133432.3); short protein forms N3596H, N4523H, N4840H.
Identifiers: ClinVar variation 1207921 (VCV001207921.9), dbSNP rs199997460, ClinGen allele CA2002385.

ClinVar aggregate classification (germline): Conflicting classifications of pathogenicity. Review status: criteria provided, conflicting classifications (1 of 4 stars). 5 submissions from 5 submitters: Uncertain significance (3); Likely benign (2). Last evaluated 2026-09-11.

Conditions:
Myopathy, myofibrillar, 9, with early respiratory failure (MFM9). Also called: EDSTROM MYOPATHY; Hereditary myopathy with early respiratory failure; Myopathy, distal, with early respiratory failure, autosomal dominant; MYOPATHY, PROXIMAL, WITH EARLY RESPIRATORY MUSCLE INVOLVEMENT. Identifiers: Orphanet 178464, Orphanet 34521, MedGen C1863599, MONDO:0011362, OMIM 603689.
Dilated cardiomyopathy 1G (CMD1G). Identifiers: Orphanet 154, MedGen C1858763, MONDO:0011400, OMIM 604145.
Tibial muscular dystrophy (TMD). Also called: Udd Distal Myopathy – Tibial Muscular Dystrophy; UDD MYOPATHY; Tibial muscular dystrophy, tardive. Identifiers: Orphanet 609, MedGen C1838244, MONDO:0010870, OMIM 600334.
Hypertrophic cardiomyopathy 9. Also called: Familial hypertrophic cardiomyopathy 9. Identifiers: MedGen C1861065, MONDO:0013412, OMIM 613765.
Autosomal recessive limb-girdle muscular dystrophy type 2J (LGMDR10). Also called: Limb-girdle muscular dystrophy, type 2J; MUSCULAR DYSTROPHY, LIMB-GIRDLE, AUTOSOMAL RECESSIVE 10. Identifiers: Orphanet 140922, MedGen C1837342, MONDO:0012127, OMIM 608807.
Early-onset myopathy with fatal cardiomyopathy (CMYO5). Also called: Salih Myopathy; CONGENITAL MYOPATHY 5 WITH CARDIOMYOPATHY. Identifiers: Orphanet 289377, MedGen C2673677, MONDO:0012714, OMIM 611705. Disease mechanism: loss of function.
TTN-related disorder. Also called: TTN-related disorders; TTN-related condition; TTN-related disease.

Allele frequency attached by ClinVar (database versions not stated): ExAC 0.00007; gnomAD exomes 0.00007 and 0.00013; gnomAD 0.00008 and 0.00009; TOPMed 0.00008; ESP Exome Variant Server 0.00025.
gnomAD v4.1: 202 of 1,613,742 alleles (0.013%); highest among the groups gnomAD compares: Non-Finnish European, 0.016%; no homozygotes.

Submissions (5):

PreventionGenetics, part of Exact Sciences
Classification: Uncertain significance for TTN-related condition. Last evaluated: 2026-09-11. Review status: criteria provided, single submitter. Criteria: ACMG Guidelines, 2015. Collection method: clinical testing. Allele origin: germline.
Comment: The TTN c.14518A>C variant is predicted to result in the amino acid substitution p.Asn4840His. Of note, this variant is also referred to as c.10786A>C (p.Asn3596His) within an alternate TTN transcript NM_133378 (N2A - skeletal long isoform) and has been documented in a cardiomyopathy cohort (Supplementary File 2 in van Lint et al. 2019. PubMed ID: 30847666). To our knowledge, this variant has not been reported in the literature. This variant is reported in 0.015% of alleles in individuals of European (Non-Finnish) descent in gnomAD. Although we suspect that this variant may be benign, at this time, the clinical significance of this variant is uncertain due to the absence of conclusive functional and genetic evidence.

Revvity Omics, Revvity
Classification: Uncertain significance. Last evaluated: 2025-02-20. Review status: criteria provided, single submitter. Criteria: ACMG Guidelines, 2015. Collection method: clinical testing. Allele origin: germline.

Fulgent Genetics
Classification: Uncertain significance for Tibial muscular dystrophy; Myopathy, myofibrillar, 9, with early respiratory failure; Dilated cardiomyopathy 1G; Autosomal recessive limb-girdle muscular dystrophy type 2J; Early-onset myopathy with fatal cardiomyopathy; Hypertrophic cardiomyopathy 9. Last evaluated: 2024-04-01. Review status: criteria provided, single submitter. Criteria: ACMG Guidelines, 2015. Collection method: clinical testing. Allele origin: germline.

Blueprint Genetics
Classification: Likely benign. Last evaluated: 2023-07-12. Review status: criteria provided, single submitter. Criteria: ACMG Guidelines, 2015. Collection method: clinical testing. Allele origin: germline.

GeneDx
Classification: Likely benign. Last evaluated: 2019-03-22. Review status: criteria provided, single submitter. Criteria: GeneDx Variant Classification Process June 2021. Collection method: clinical testing. Allele origin: germline. Affected: yes.
Comment: This variant is associated with the following publications: (PMID: 30847666)